The following is an entry in ClinVar:

NM_032242.4(PLXNA1):c.5172G>A (p.Glu1724=)

Gene: PLXNA1 (plexin A1; plus strand). Cytogenetic location: 3q21.3.
Variant type: single nucleotide variant.
Coding change: c.5172G>A on transcript NM_032242.4 (MANE Select); coding-DNA position 5172, G replaced by A.
Protein change: p.Glu1724=; no amino-acid change (glutamic acid 1724 retained).
Molecular consequence: synonymous variant.
Genome position (GRCh38, 1-based): chr3:127,030,353, G>A. VCF-style: chr3-127030353-G-A. GRCh37 (hg19) VCF-style: chr3-126749196-G-A.
Identifiers: ClinVar variation 4984187 (VCV004984187.1).

ClinVar aggregate classification (germline): Likely benign (1 of 4 stars; one submission).

Conditions:
PLXNA1-related disorder. Also called: PLXNA1-related condition.

gnomAD v4.1: 1 of 1,613,934 alleles (0.000062%); highest among the groups gnomAD compares: African/African-American, 0.0013%; no homozygotes.

Submission:

PreventionGenetics, part of Exact Sciences
Classification: Likely benign for PLXNA1-related condition. Last evaluated: 2026-08-19. Review status: criteria provided, single submitter. Criteria: ACMG Guidelines, 2015. Collection method: clinical testing. Allele origin: germline.
Comment: This variant is classified as likely benign based on ACMG/AMP sequence variant interpretation guidelines (Richards et al. 2015 PMID: 25741868, with internal and published modifications).